The following is an entry in ClinVar:

ClinVar aggregate classification (germline): Uncertain significance. Review status: criteria provided, multiple submitters, no conflicts (2 of 4 stars). 2 submissions from 2 submitters: Uncertain significance (2). Last evaluated 2024-02-24.

Conditions:
Danon disease. Also called: Glycogen Storage Disease Type IIb; ANTOPOL DISEASE; PSEUDOGLYCOGENOSIS II; GSD IIb; LYSOSOMAL GLYCOGEN STORAGE DISEASE WITHOUT ACID MALTASE DEFICIENCY. Identifiers: Orphanet 34587, MedGen C0878677, MONDO:0010281, OMIM 300257.

Submissions (2):

Labcorp Genetics (formerly Invitae), Labcorp
Classification: Uncertain significance for Danon disease. Last evaluated: 2024-02-24. Review status: criteria provided, single submitter. Criteria: Invitae Variant Classification Sherloc (09022015). Collection method: clinical testing. Allele origin: germline.
Comment: This sequence change replaces phenylalanine, which is neutral and non-polar, with leucine, which is neutral and non-polar, at codon 375 of the LAMP2 protein (p.Phe375Leu). This variant is not present in population databases (gnomAD no frequency). This missense change has been observed in individual(s) with clinical features of LAMP2-related conditions (Invitae). ClinVar contains an entry for this variant (Variation ID: 947052). Advanced modeling of protein sequence and biophysical properties (such as structural, functional, and spatial information, amino acid conservation, physicochemical variation, residue mobility, and thermodynamic stability) performed at Invitae indicates that this missense variant is not expected to disrupt LAMP2 protein function with a negative predictive value of 80%. In summary, the available evidence is currently insufficient to determine the role of this variant in disease. Therefore, it has been classified as a Variant of Uncertain Significance.

Breakthrough Genomics
Classification: Uncertain significance. Review status: criteria provided, single submitter. Criteria: ACMG Guidelines, 2015. Collection method: not provided. Allele origin: germline. Inheritance: X-linked dominant inheritance. Affected: yes.

NM_002294.3(LAMP2):c.1123T>C (p.Phe375Leu)

Gene: LAMP2 (lysosome associated membrane protein 2; minus strand). Cytogenetic location: Xq24.
Variant type: single nucleotide variant.
Coding change: c.1123T>C on transcript NM_002294.3 (MANE Select); coding-DNA position 1123, T replaced by C.
Protein change: p.Phe375Leu; replaces phenylalanine 375 with leucine.
Molecular consequence: missense variant. On other transcripts: intron variant (1).
Genome position (GRCh38, 1-based): chrX:120,431,433, A>G on the plus strand (T>C on the coding strand, the complement: LAMP2 is on the minus strand). VCF-style: chrX-120431433-A-G. GRCh37 (hg19) VCF-style: chrX-119565288-A-G.
Other names: c.1094-2807T>C (NM_001122606.1); short protein forms F375L.
Identifiers: ClinVar variation 947052 (VCV000947052.10), dbSNP rs2058522629, ClinGen allele CA414398365.